The following is an entry in ClinVar:

NM_001370100.5(ZMYND11):c.548del (p.Asn183fs)

Gene: ZMYND11 (zinc finger MYND-type containing 11; plus strand). Cytogenetic location: 10p15.3.
Variant type: Deletion.
Coding change: c.548del on transcript NM_001370100.5 (MANE Select); coding-DNA position 548, one base deleted (A; older notation c.548delA).
Protein change: p.Asn183fs; shifts the reading frame from asparagine 183.
Molecular consequence: frameshift variant. On other transcripts: non-coding transcript variant (1), intron variant (4).
Genome position (GRCh38, 1-based): chr10:237,616, A deleted; the last of 2 consecutive A bases (chr10:237,615-237,616); deleting either gives the same sequence. VCF-style (leftmost placement, unchanged base first): chr10-237614-CA-C. GRCh37 (hg19) VCF-style: chr10-283554-CA-C.
Other names: c.386del, p.Asn129fs (NM_001202464.3, NM_001202466.3, NM_001202467.1 and 9 more transcripts); c.548del, p.Asn183fs (NM_001202468.1, NM_001370097.3, NM_001370098.2 and 8 more transcripts); c.497del, p.Asn166fs (NM_001330057.3, NM_001370112.2); c.482del, p.Asn161fs (NM_001370116.2); c.516+701del (NM_001370113.2, NM_001370114.2); c.354+701del (NM_001202465.3, NM_001370110.2); c.428del, p.Asn143fs (NM_001370118.2); c.320del, p.Asn107fs (NM_001370120.2); and 3 more; short protein forms N107fs, N112fs, N129fs, N143fs, N161fs, N166fs, N183fs, N26fs.
Identifiers: ClinVar variation 5038244 (VCV005038244.1).

ClinVar aggregate classification (germline): Likely pathogenic (1 of 4 stars; one submission).

Conditions:
Intellectual developmental disorder, autosomal dominant 30, with speech delay and behavioral abnormalities. Also called: Intellectual disability, autosomal dominant 30. Identifiers: Orphanet 436151, MedGen C4015167, MONDO:0014486, OMIM 616083.

Submission:

MVZ Medizinische Genetik Mainz
Classification: Likely pathogenic for Intellectual developmental disorder, autosomal dominant 30, with speech delay and behavioral abnormalities. Last evaluated: 2026-07-17. Review status: criteria provided, single submitter. Criteria: UK Practice Guidelines For Variant Classification V4 01 2020. Collection method: clinical testing. Allele origin: germline. Inheritance: Autosomal dominant inheritance. Affected: yes. Observed: 1 variant allele.
Comment: ACMG Criteria: PVS1,PM2_SUP